The following is an entry in ClinVar:

ClinVar aggregate classification (germline): Uncertain significance (1 of 4 stars; one submission).

Allele frequency attached by ClinVar (database versions not stated): gnomAD exomes below 0.00001; TOPMed below 0.00001; ExAC 0.00001.
gnomAD v4.1: 6 of 1,614,068 alleles (0.00037%); highest among the groups gnomAD compares: Non-Finnish European, 0.00051%; no homozygotes.

Submission:

Labcorp Genetics (formerly Invitae), Labcorp
Classification: Uncertain significance. Last evaluated: 2021-08-01. Review status: criteria provided, single submitter. Criteria: Invitae Variant Classification Sherloc (09022015). Collection method: clinical testing. Allele origin: germline.
Comment: In summary, the available evidence is currently insufficient to determine the role of this variant in disease. Therefore, it has been classified as a Variant of Uncertain Significance. Algorithms developed to predict the effect of sequence changes on RNA splicing suggest that this variant may create or strengthen a splice site. Algorithms developed to predict the effect of missense changes on protein structure and function are either unavailable or do not agree on the potential impact of this missense change (SIFT: "Deleterious"; PolyPhen-2: "Probably Damaging"; Align-GVGD: "Class C0"). This variant has not been reported in the literature in individuals affected with POLR3A-related conditions. This variant is present in population databases (no rsID available, ExAC 0.001%). This sequence change replaces arginine with glutamine at codon 855 of the POLR3A protein (p.Arg855Gln). The arginine residue is highly conserved and there is a small physicochemical difference between arginine and glutamine.

NM_007055.4(POLR3A):c.2564G>A (p.Arg855Gln)

Gene: POLR3A (RNA polymerase III subunit A; minus strand). Cytogenetic location: 10q22.3.
Variant type: single nucleotide variant.
Coding change: c.2564G>A on transcript NM_007055.4 (MANE Select); coding-DNA position 2564, G replaced by A.
Protein change: p.Arg855Gln; replaces arginine 855 with glutamine.
Molecular consequence: missense variant.
Genome position (GRCh38, 1-based): chr10:78,000,033, C>T on the plus strand (G>A on the coding strand, the complement: POLR3A is on the minus strand). VCF-style: chr10-78000033-C-T. GRCh37 (hg19) VCF-style: chr10-79759791-C-T.
Other names: short protein forms R855Q.
Identifiers: ClinVar variation 1494825 (VCV001494825.6), dbSNP rs1023077701, ClinGen allele CA5571089.